The following is an entry in ClinVar:

ClinVar aggregate classification (germline): Pathogenic. Review status: criteria provided, multiple submitters, no conflicts (2 of 4 stars). 2 submissions from 2 submitters: Pathogenic (2). Last evaluated 2026-08-25.

Conditions:
Glycogen storage disease, type II (IOPD). Also called: CARDIOMEGALIA GLYCOGENICA DIFFUSA; GLYCOGENOSIS, GENERALIZED, CARDIAC FORM; GSD II; Glycogen storage disease type 2; Acid maltase deficiency disease; Aglucosidase alfa. Identifiers: Orphanet 365, MedGen C0017921, MONDO:0009290, OMIM 232300.

Submissions (2):

Myriad Genetics, Inc.
Classification: Pathogenic for Glycogen storage disease, type II. Last evaluated: 2026-08-25. Review status: criteria provided, single submitter. Criteria: Myriad Autosomal Dominant, Autosomal Recessive and X-Linked Classification Criteria (2023). Collection method: clinical testing. Allele origin: unknown.
Comment: NM_000152.3(GAA):c.1374C>A(Y458*) is expected to be pathogenic in the context of Pompe disease. This variant is predicted to lead to an abnormal or absent protein product due to the creation of a premature termination codon in GAA, a gene where loss-of-function variants are known to be pathogenic. Please note: this variant was assessed in the context of healthy population screening.

Labcorp Genetics (formerly Invitae), Labcorp
Classification: Pathogenic for Glycogen storage disease, type II. Last evaluated: 2024-10-01. Review status: criteria provided, single submitter. Criteria: Invitae Variant Classification Sherloc (09022015). Collection method: clinical testing. Allele origin: germline.
Comment: This sequence change creates a premature translational stop signal (p.Tyr458*) in the GAA gene. It is expected to result in an absent or disrupted protein product. Loss-of-function variants in GAA are known to be pathogenic (PMID: 18425781, 22252923). This variant is not present in population databases (gnomAD no frequency). This variant has not been reported in the literature in individuals affected with GAA-related conditions. For these reasons, this variant has been classified as Pathogenic.

Literature cited by the submitters: PubMed 18425781 (cited by Labcorp Genetics (formerly Invitae), Labcorp); PubMed 22252923 (cited by Labcorp Genetics (formerly Invitae), Labcorp).

NM_000152.5(GAA):c.1374C>A (p.Tyr458Ter)

Gene: GAA (alpha glucosidase; plus strand). Cytogenetic location: 17q25.3.
Variant type: single nucleotide variant.
Coding change: c.1374C>A on transcript NM_000152.5 (MANE Select); coding-DNA position 1374, C replaced by A.
Protein change: p.Tyr458Ter; replaces tyrosine 458 with a stop codon.
Molecular consequence: nonsense.
Genome position (GRCh38, 1-based): chr17:80,109,992, C>A. VCF-style: chr17-80109992-C-A. GRCh37 (hg19) VCF-style: chr17-78083791-C-A.
Other names: c.1374C>A, p.Tyr458Ter (NM_001079803.3, NM_001079804.3, NM_001406741.1 and 1 more transcripts); short protein forms Y458*.
Identifiers: ClinVar variation 3721981 (VCV003721981.3).